The following is an entry in ClinVar:

NM_022916.6(VPS33A):c.318G>A (p.Thr106=)

Gene: VPS33A (VPS33A core subunit of CORVET and HOPS complexes; minus strand). Cytogenetic location: 12q24.31.
Variant type: single nucleotide variant.
Coding change: c.318G>A on transcript NM_022916.6 (MANE Select); coding-DNA position 318, G replaced by A.
Protein change: p.Thr106=; no amino-acid change (threonine 106 retained).
Molecular consequence: synonymous variant.
Genome position (GRCh38, 1-based): chr12:122,261,426, C>T on the plus strand (G>A on the coding strand, the complement: VPS33A is on the minus strand). VCF-style: chr12-122261426-C-T. GRCh37 (hg19) VCF-style: chr12-122745973-C-T.
Other names: c.285G>A, p.Thr95= (NM_001351018.2); c.270G>A, p.Thr90= (NM_001351019.2); c.318G>A, p.Thr106= (NM_001351020.2, NM_001351021.2); c.318G>A (NM_022916.4).
Identifiers: ClinVar variation 1608072 (VCV001608072.5), dbSNP rs766423302, ClinGen allele CA6844625.
Genomic context (GRCh38, chr12:122,261,426, plus strand): 5'-CTTCAACCGCTGTTCGCACAACAGGCTACGGCGTGGCACAAACAGAATATGAAAATCTCT[C>T]GTTGGGCCTCGTCTATCTTCACTGCAAAGGAAGCAACATTTGTTAGCTTATGAGCTCCTA-3'
Protein context (NP_075067.2, residues 96-116): NVLSEDRRGP[Thr106=]RDFHILFVPR

ClinVar aggregate classification (germline): Likely benign. Review status: criteria provided, single submitter (1 of 4 stars). 2 submissions from 2 submitters: Likely benign (1). 1 of the submissions does not count toward it. Last evaluated 2021-10-11.

Conditions:
VPS33A-related disorder. Also called: VPS33A-related condition.

Allele frequency attached by ClinVar (database versions not stated): gnomAD 0.00001; gnomAD exomes 0.00001 and 0.00002; ExAC 0.00002; TOPMed 0.00005.
gnomAD v4.1: 16 of 1,613,770 alleles (0.00099%); highest among the groups gnomAD compares: African/African-American, 0.0067%; no homozygotes.

Submissions (2):

Labcorp Genetics (formerly Invitae), Labcorp
Classification: Likely benign. Last evaluated: 2021-10-11. Review status: criteria provided, single submitter. Criteria: Invitae Variant Classification Sherloc (09022015). Collection method: clinical testing. Allele origin: germline.

PreventionGenetics, part of Exact Sciences
Classification: Likely benign for VPS33A-related condition. Last evaluated: 2019-06-06. Review status: no assertion criteria provided. Collection method: clinical testing. Allele origin: germline. Not counted in ClinVar's aggregate classification.
Comment: This variant is classified as likely benign based on ACMG/AMP sequence variant interpretation guidelines (Richards et al. 2015 PMID: 25741868, with internal and published modifications).